The following is an entry in ClinVar:

NM_003052.5(SLC34A1):c.81G>A (p.Thr27=)

Gene: SLC34A1 (solute carrier family 34 member 1; plus strand). Cytogenetic location: 5q35.3.
Variant type: single nucleotide variant.
Coding change: c.81G>A on transcript NM_003052.5 (MANE Select); coding-DNA position 81, G replaced by A.
Protein change: p.Thr27=; no amino-acid change (threonine 27 retained).
Molecular consequence: synonymous variant.
Genome position (GRCh38, 1-based): chr5:177,385,822, G>A. VCF-style: chr5-177385822-G-A. GRCh37 (hg19) VCF-style: chr5-176812823-G-A.
Other names: c.81G>A, p.Thr27= (NM_001167579.2).
Identifiers: ClinVar variation 1618125 (VCV001618125.9), dbSNP rs570345073, ClinGen allele CA3580234.

ClinVar aggregate classification (germline): Likely benign. Review status: criteria provided, multiple submitters, no conflicts (2 of 4 stars). 2 submissions from 2 submitters: Likely benign (2). Last evaluated 2026-08-01.

Allele frequency attached by ClinVar (database versions not stated): gnomAD exomes 0.00002 and 0.00004; ExAC 0.00003; TOPMed 0.00004; gnomAD 0.00005.
gnomAD v4.1: 40 of 1,613,482 alleles (0.0025%); highest among the groups gnomAD compares: South Asian, 0.013%; 1 homozygote.

Submissions (2):

CeGaT Center for Human Genetics Tuebingen
Classification: Likely benign. Last evaluated: 2026-08-01. Review status: criteria provided, single submitter. Criteria: CeGaT Center For Human Genetics Tuebingen Variant Classification Criteria Version 2. Collection method: clinical testing. Allele origin: germline. Affected: yes. Observed: 1 variant allele.
Comment: SLC34A1: BP4, BP7

Labcorp Genetics (formerly Invitae), Labcorp
Classification: Likely benign. Last evaluated: 2024-10-29. Review status: criteria provided, single submitter. Criteria: Invitae Variant Classification Sherloc (09022015). Collection method: clinical testing. Allele origin: germline.